The following is an entry in ClinVar:

NC_000012.11:g.(?_69080846)_(69096584_?)dup

Gene: NUP107 (nucleoporin 107; plus strand). Cytogenetic location: 12q15.
Variant type: Duplication.
Identifiers: ClinVar variation 1433970 (VCV001433970.5).

ClinVar aggregate classification (germline): Uncertain significance (1 of 4 stars; one submission).

Submission:

Labcorp Genetics (formerly Invitae), Labcorp
Classification: Uncertain significance. Last evaluated: 2022-07-12. Review status: criteria provided, single submitter. Criteria: Invitae Variant Classification Sherloc (09022015). Collection method: clinical testing. Allele origin: germline.
Comment: Experimental studies and prediction algorithms are not available or were not evaluated, and the functional significance of this variant is currently unknown. In summary, the available evidence is currently insufficient to determine the role of this variant in disease. Therefore, it has been classified as a Variant of Uncertain Significance. This variant has not been reported in the literature in individuals affected with NUP107-related conditions. This variant results in a copy number gain of the genomic region encompassing exon(s) 1-8 of the NUP107 gene. This region includes the initiator codon of the gene. This copy number gain extends beyond the assayed region for this gene and therefore may encompass additional genes. As the precise location of this event is unknown, it may be in tandem or it may be located elsewhere in the genome.